The following is an entry in ClinVar:

ClinVar aggregate classification (germline): Uncertain significance. Review status: criteria provided, multiple submitters, no conflicts (2 of 4 stars). 3 submissions from 3 submitters: Uncertain significance (3). Last evaluated 2026-02-06.

Conditions:
PKD1L1-related disorder. Also called: PKD1L1-related condition.
Inborn genetic diseases. Identifiers: MedGen C0950123, MeSH D030342.

Allele frequency attached by ClinVar (database versions not stated): ExAC 0.00002; gnomAD exomes 0.00002; gnomAD 0.00007; ESP Exome Variant Server 0.00015; TOPMed 0.00016.
gnomAD v4.1: 37 of 1,613,742 alleles (0.0023%); highest among the groups gnomAD compares: African/African-American, 0.04%; no homozygotes.

Submissions (3):

PreventionGenetics, part of Exact Sciences
Classification: Uncertain significance for PKD1L1-related condition. Last evaluated: 2026-02-06. Review status: criteria provided, single submitter. Criteria: ACMG Guidelines, 2015. Collection method: clinical testing. Allele origin: germline.
Comment: The PKD1L1 c.3386T>C variant is predicted to result in the amino acid substitution p.Ile1129Thr. To our knowledge, this variant has not been reported in the literature. This variant is reported in 0.040% of alleles in individuals of African descent in gnomAD. At this time, the clinical significance of this variant is uncertain due to the absence of conclusive functional and genetic evidence.

Labcorp Genetics (formerly Invitae), Labcorp
Classification: Uncertain significance. Last evaluated: 2023-12-09. Review status: criteria provided, single submitter. Criteria: Invitae Variant Classification Sherloc (09022015). Collection method: clinical testing. Allele origin: germline.
Comment: This sequence change replaces isoleucine, which is neutral and non-polar, with threonine, which is neutral and polar, at codon 1129 of the PKD1L1 protein (p.Ile1129Thr). This variant is present in population databases (rs145200007, gnomAD 0.04%). This variant has not been reported in the literature in individuals affected with PKD1L1-related conditions. Advanced modeling of protein sequence and biophysical properties (such as structural, functional, and spatial information, amino acid conservation, physicochemical variation, residue mobility, and thermodynamic stability) performed at Invitae indicates that this missense variant is not expected to disrupt PKD1L1 protein function with a negative predictive value of 80%. In summary, the available evidence is currently insufficient to determine the role of this variant in disease. Therefore, it has been classified as a Variant of Uncertain Significance.

Ambry Genetics
Classification: Uncertain significance for Inborn genetic diseases. Last evaluated: 2023-12-07. Review status: criteria provided, single submitter. Criteria: Ambry Variant Classification Scheme 2023. Collection method: clinical testing. Allele origin: germline.

NM_138295.5(PKD1L1):c.3386T>C (p.Ile1129Thr)

Gene: PKD1L1 (polycystin 1 like 1, transient receptor potential channel interacting; minus strand). Cytogenetic location: 7p12.3.
Variant type: single nucleotide variant.
Coding change: c.3386T>C on transcript NM_138295.5 (MANE Select); coding-DNA position 3386, T replaced by C.
Protein change: p.Ile1129Thr; replaces isoleucine 1129 with threonine.
Molecular consequence: missense variant.
Genome position (GRCh38, 1-based): chr7:47,881,965, A>G on the plus strand (T>C on the coding strand, the complement: PKD1L1 is on the minus strand). VCF-style: chr7-47881965-A-G. GRCh37 (hg19) VCF-style: chr7-47921563-A-G.
Other names: c.3386T>C (NM_138295.3); short protein forms I1129T.
Identifiers: ClinVar variation 2737663 (VCV002737663.6), dbSNP rs145200007, ClinGen allele CA4253442.